The following is an entry in ClinVar:

ClinVar aggregate classification (germline): Pathogenic. Review status: criteria provided, multiple submitters, no conflicts (2 of 4 stars). 3 submissions from 3 submitters: Pathogenic (2). 1 of the submissions does not count toward it. Last evaluated 2026-01-19.

Conditions:
Charcot-Marie-Tooth Neuropathy X. Identifiers: MedGen CN118851.
Charcot-Marie-Tooth disease X-linked dominant 1. Also called: HEREDITARY MOTOR AND SENSORY NEUROPATHY, X-LINKED; HMSN, X-LINKED; X-linked Charcot-Marie-Tooth disease type 1; GJB1 Disorders: Charcot-Marie-Tooth Neuropathy (CMT1X) and Central Nervous System Phenotypes; CHARCOT-MARIE-TOOTH NEUROPATHY, X-LINKED, 1; CHARCOT-MARIE-TOOTH PERONEAL MUSCULAR ATROPHY, X-LINKED. Identifiers: Orphanet 101075, MedGen C0393808, MONDO:0010549, OMIM 302800.

Submissions (3):

Labcorp Genetics (formerly Invitae), Labcorp
Classification: Pathogenic for Charcot-Marie-Tooth Neuropathy X. Last evaluated: 2026-01-19. Review status: criteria provided, single submitter. Criteria: Invitae Variant Classification Sherloc (09022015). Collection method: clinical testing. Allele origin: germline.
Comment: This sequence change replaces tyrosine, which is neutral and polar, with cysteine, which is neutral and slightly polar, at codon 65 of the GJB1 protein (p.Tyr65Cys). This variant is not present in population databases (gnomAD no frequency). This missense change has been observed in individuals with X-linked Charcot-Marie-Tooth disease (PMID: 7477983, 27804109, 28469099; internal data). ClinVar contains an entry for this variant (Variation ID: 10438). Invitae Evidence Modeling of protein sequence and biophysical properties (such as structural, functional, and spatial information, amino acid conservation, physicochemical variation, residue mobility, and thermodynamic stability) indicates that this missense variant is expected to disrupt GJB1 protein function with a positive predictive value of 95%. Experimental studies have shown that this missense change affects GJB1 function (PMID: 15006706). This variant disrupts the p.Tyr65 amino acid residue in GJB1. Other variant(s) that disrupt this residue have been observed in individuals with GJB1-related conditions (PMID: 11562788), which suggests that this may be a clinically significant amino acid residue. For these reasons, this variant has been classified as Pathogenic.

Athena Diagnostics
Classification: Pathogenic. Last evaluated: 2021-06-08. Review status: criteria provided, single submitter. Criteria: Athena Diagnostics Criteria. Collection method: clinical testing. Allele origin: unknown.
Comment: This variant has not been reported in large, multi-ethnic general populations. This variant has been identified in at least one individual with clinical features associated with this gene. Assessment of experimental evidence suggests this variant results in abnormal protein function. This variant shows a significant reduction in junctional conductance compared to the wild type (PMID: 15006706).

OMIM
Classification: Pathogenic for CHARCOT-MARIE-TOOTH DISEASE, X-LINKED DOMINANT, 1. Last evaluated: 1995-10-01. Review status: no assertion criteria provided. Collection method: literature only. Allele origin: germline. Not counted in ClinVar's aggregate classification.

Literature cited by the submitters: PubMed 7477983 (cited by 3 submitters); PubMed 27804109 (cited by Labcorp Genetics (formerly Invitae), Labcorp and Athena Diagnostics); PubMed 28469099 (cited by Labcorp Genetics (formerly Invitae), Labcorp and Athena Diagnostics); PubMed 15006706 (cited by Labcorp Genetics (formerly Invitae), Labcorp and Athena Diagnostics); PubMed 11562788 (cited by Labcorp Genetics (formerly Invitae), Labcorp).

NM_000166.6(GJB1):c.194A>G (p.Tyr65Cys)

Gene: GJB1 (gap junction protein beta 1; plus strand). Cytogenetic location: Xq13.1.
Variant type: single nucleotide variant.
Coding change: c.194A>G on transcript NM_000166.6 (MANE Select); coding-DNA position 194, A replaced by G.
Protein change: p.Tyr65Cys; replaces tyrosine 65 with cysteine.
Molecular consequence: missense variant.
Genome position (GRCh38, 1-based): chrX:71,223,901, A>G. VCF-style: chrX-71223901-A-G. GRCh37 (hg19) VCF-style: chrX-70443751-A-G.
Other names: c.194A>G, p.Tyr65Cys (NM_001097642.3); short protein forms Y65C.
Identifiers: ClinVar variation 10438 (VCV000010438.12), dbSNP rs104894819, ClinGen allele CA255248.